The following is an entry in ClinVar:

NM_001286.5(CLCN6):c.347C>T (p.Ser116Leu)

Gene: CLCN6 (Cl-/H+ antiporter 6; plus strand). Cytogenetic location: 1p36.22.
Variant type: single nucleotide variant.
Coding change: c.347C>T on transcript NM_001286.5 (MANE Select); coding-DNA position 347, C replaced by T.
Protein change: p.Ser116Leu; replaces serine 116 with leucine.
Molecular consequence: missense variant. On other transcripts: non-coding transcript variant (1).
Genome position (GRCh38, 1-based): chr1:11,822,695, C>T. VCF-style: chr1-11822695-C-T. GRCh37 (hg19) VCF-style: chr1-11882752-C-T.
Other names: c.281C>T, p.Ser94Leu (NM_001256959.2); short protein forms S94L, S116L.
Identifiers: ClinVar variation 1437783 (VCV001437783.29), dbSNP rs368902990, ClinGen allele CA596052.
Genomic context (GRCh38, chr1:11,822,695, plus strand): 5'-AAGTGATGACGGGGACACCCCTCGGCTGATGAACAAGTTTCCTTAACCCAGTTTCCGCAG[C>T]GGTGGAGGAGTGCAGCCAGAAAGGCTGCCTCGCTCTGTCTCTCCTTGAACTCCTGGGTTT-3'
Protein context (NP_001277.2, residues 106-126): TQLKFGVVQT[Ser116Leu]VEECSQKGCL

ClinVar aggregate classification (germline): Uncertain significance. Review status: criteria provided, multiple submitters, no conflicts (2 of 4 stars). 2 submissions from 2 submitters: Uncertain significance (2). Last evaluated 2023-04-23.

Allele frequency attached by ClinVar (database versions not stated): ExAC 0.00003; gnomAD exomes 0.00003 and 0.00004; TOPMed 0.00003; gnomAD 0.00005; ESP Exome Variant Server 0.00015.
gnomAD v4.1: 45 of 1,604,254 alleles (0.0028%); highest among the groups gnomAD compares: African/African-American, 0.0094%; no homozygotes.

Submissions (2):

Labcorp Genetics (formerly Invitae), Labcorp
Classification: Uncertain significance. Last evaluated: 2023-04-23. Review status: criteria provided, single submitter. Criteria: Invitae Variant Classification Sherloc (09022015). Collection method: clinical testing. Allele origin: germline.
Comment: In summary, the available evidence is currently insufficient to determine the role of this variant in disease. Therefore, it has been classified as a Variant of Uncertain Significance. An algorithm developed to predict the effect of missense changes on protein structure and function (PolyPhen-2) suggests that this variant¬† is likely to be tolerated. ClinVar contains an entry for this variant (Variation ID: 1437783). This variant has not been reported in the literature in individuals affected with CLCN6-related conditions. This variant is present in population databases (rs368902990, gnomAD 0.02%). This sequence change replaces serine, which is neutral and polar, with leucine, which is neutral and non-polar, at codon 116 of the CLCN6 protein (p.Ser116Leu).

CeGaT Center for Human Genetics Tuebingen
Classification: Uncertain significance. Last evaluated: 2022-06-01. Review status: criteria provided, single submitter. Criteria: CeGaT Center For Human Genetics Tuebingen Variant Classification Criteria Version 2. Collection method: clinical testing. Allele origin: germline. Affected: yes. Observed: 1 variant allele.